The following is an entry in ClinVar:

ClinVar aggregate classification (germline): Pathogenic. Review status: reviewed by expert panel (3 of 4 stars). 10 submissions from 10 submitters: Pathogenic (1). 9 of the submissions do not count toward it. Last evaluated 2016-09-08.

Conditions:
Inherited breast cancer and ovarian cancer.
Pancreatic cancer, susceptibility to, 2. Identifiers: Orphanet 1333, MedGen C3150546, MONDO:0013235, OMIM 613347.
Glioma susceptibility 3 (GLM3). Also called: Glioblastoma 3. Identifiers: Orphanet 182067, Orphanet 360, MedGen C2751641, MONDO:0013093, OMIM 613029.
Familial prostate cancer. Also called: Hereditary Prostate Cancer. Identifiers: MedGen C2931456, MONDO:0700275, OMIM 176807.
Breast-ovarian cancer, familial, susceptibility to, 2 (BROVCA2). Also called: BRCA2 Hereditary Breast and Ovarian Cancer. Identifiers: Orphanet 145, MedGen C2675520, MONDO:0012933, OMIM 612555. Disease mechanism: loss of function.
Fanconi anemia complementation group D1. Also called: BRCA2-Related Fanconi Anemia. Identifiers: Orphanet 319462, MedGen C1838457, MONDO:0011584, OMIM 605724.
Medulloblastoma (MDB). Also called: Medulloblastoma, somatic; MEDULLOBLASTOMA PREDISPOSITION SYNDROME. Identifiers: Orphanet 616, MedGen C0025149, MeSH D008527, MONDO:0007959, OMIM 155255, HP:0002885.
Wilms tumor 1 (WT1). Also called: Wilms tumor, somatic. Identifiers: Orphanet 654, MedGen CN033288, MONDO:0008679, OMIM 194070.
Familial cancer of breast. Also called: BREAST CANCER, FAMILIAL; hereditary breast carcinoma; Hereditary breast cancer. Identifiers: Orphanet 227535, MedGen C0346153, MONDO:0016419, OMIM 114480. Disease mechanism: loss of function.
Hereditary cancer-predisposing syndrome. Also called: Neoplastic Syndromes, Hereditary; Tumor predisposition; Hereditary Cancer Syndrome; Hereditary neoplastic syndrome. Identifiers: Orphanet 140162, MedGen C0027672, MeSH D009386, MONDO:0015356.
Hereditary breast ovarian cancer syndrome. Also called: Breast and ovarian cancer; Hereditary breast and ovarian cancer; Hereditary breast and ovarian cancer syndrome (HBOC); Hereditary breast and ovarian cancer syndrome; BRCA1- and BRCA2-Associated Hereditary Breast and Ovarian Cancer; Hereditary breast and/or ovarian cancer syndrome. Identifiers: Orphanet 145, MedGen C0677776, MeSH D061325, MONDO:0003582. Disease mechanism: loss of function.

Submissions (10):

Evidence-based Network for the Interpretation of Germline Mutant Alleles (ENIGMA)
Classification: Pathogenic for Breast-ovarian cancer, familial, susceptibility to, 2. Last evaluated: 2016-09-08. Review status: reviewed by expert panel. Criteria: ENIGMA BRCA1/2 Classification Criteria (2015). Collection method: curation. Allele origin: germline.
Comment: Variant allele predicted to encode a truncated non-functional protein.

Ambry Genetics
Classification: Pathogenic for Hereditary cancer-predisposing syndrome. Last evaluated: 2025-08-21. Review status: criteria provided, single submitter. Criteria: Ambry Variant Classification Scheme 2023. Collection method: clinical testing. Allele origin: germline. Not counted in ClinVar's aggregate classification.
Comment: The c.9458delG pathogenic mutation, located in coding exon 24 of the BRCA2 gene, results from a deletion of one nucleotide at nucleotide position 9458, causing a translational frameshift with a predicted alternate stop codon (p.G3153Afs*10). This alteration is expected to result in loss of function by premature protein truncation or nonsense-mediated mRNA decay. As such, this alteration is interpreted as a disease-causing mutation.

Genetics Laboratory, Great Ormond Street Hospital NHS Foundation Trust, North Thames Genomic Laboratory Hub
Classification: Pathogenic for Inherited breast cancer and ovarian cancer. Last evaluated: 2025-08-11. Review status: criteria provided, single submitter. Criteria: CanVIG BRCA Gene Specific V1.22. Collection method: clinical testing. Allele origin: germline. Affected: yes. Not counted in ClinVar's aggregate classification.
Comment: PS4_supporting, PM2_moderate, PVS1_very-strong, PM5_strong

Labcorp Genetics (formerly Invitae), Labcorp
Classification: Pathogenic for Hereditary breast ovarian cancer syndrome. Last evaluated: 2025-01-24. Review status: criteria provided, single submitter. Criteria: Invitae Variant Classification Sherloc (09022015). Collection method: clinical testing. Allele origin: germline. Not counted in ClinVar's aggregate classification.
Comment: This sequence change creates a premature translational stop signal (p.Gly3153Alafs*10) in the BRCA2 gene. It is expected to result in an absent or disrupted protein product. Loss-of-function variants in BRCA2 are known to be pathogenic (PMID: 20104584). This variant is not present in population databases (gnomAD no frequency). This premature translational stop signal has been observed in individual(s) with clinical features of BRCA2-related conditions (PMID: 21520333). ClinVar contains an entry for this variant (Variation ID: 52842). For these reasons, this variant has been classified as Pathogenic.

Department of Pathology and Laboratory Medicine, Sinai Health System
Classification: Pathogenic for Familial cancer of breast; Medulloblastoma; Familial prostate cancer; Wilms tumor 1; Fanconi anemia complementation group D1; Breast-ovarian cancer, familial, susceptibility to, 2; Glioma susceptibility 3; Pancreatic cancer, susceptibility to, 2. Last evaluated: 2024-11-20. Review status: criteria provided, single submitter. Criteria: ACMG Guidelines, 2015. Collection method: clinical testing. Allele origin: germline. Not counted in ClinVar's aggregate classification.

Molecular Diagnostics Laboratory, Catalan Institute of Oncology
Classification: Pathogenic for Hereditary cancer-predisposing syndrome. Last evaluated: 2024-09-15. Review status: criteria provided, single submitter. Criteria: ClinGen BRCA1BRCA2 ACMG Specifications BRCA2 V1.0.0. Collection method: clinical testing. Allele origin: germline. Not counted in ClinVar's aggregate classification.
Comment: PVS1, PM5_PTC_Strong c.9458del, located in exon 25 of the BRCA2 gene, consists in the deletion of one nucleotide, causing a translational frameshift with a predicted alternate stop codon p.(Gly3153Alafs*10). This alteration is expected to result in loss of function by premature protein truncation and nonsense-mediated mRNA decay (PVS1). It is not present in the population database gnomAD v2.1.1, non cancer dataset. To our knowledge, neither clinical data nor functional studies have been reported for this variant. This variant has been reported in the ClinVar database (6x pathogenic), in the LOVD (11x pathogenic) and in BRCA Exchange database (classified as pathogenic). This variant generates a protein termination codon in an exon where different proven pathogenic variant has been seen before (PM5_PTC_S). Based on currently available information, the variant c.9458del should be considered a pathogenic variant.

Women's Health and Genetics/Laboratory Corporation of America, LabCorp
Classification: Pathogenic for Hereditary breast and ovarian cancer syndrome. Last evaluated: 2020-01-31. Review status: criteria provided, single submitter. Criteria: LabCorp Variant Classification Summary - May 2015. Collection method: clinical testing. Allele origin: germline. Not counted in ClinVar's aggregate classification.
Comment: Variant summary: BRCA2 c.9458delG (p.Gly3153AlafsX10) results in a premature termination codon, predicted to cause a truncation of the encoded protein or absence of the protein due to nonsense mediated decay, which are commonly known mechanisms for disease. Truncations downstream of this position have been classified as pathogenic by our laboratory. The variant was absent in 251254 control chromosomes (gnomAD). c.9458delG has been reported in the literature in individuals affected with Hereditary Breast and Ovarian Cancer (De Leeneer_2011, Rebbeck_2018). These data indicate that the variant is likely to be associated with disease. To our knowledge, no experimental evidence demonstrating an impact on protein function has been reported. Three ClinVar submitters, including one expert panel (ENIGMA), (evaluation after 2014) cite the variant as pathogenic. Based on the evidence outlined above, the variant was classified as pathogenic.

Color Diagnostics, LLC DBA Color Health
Classification: Pathogenic for Hereditary cancer-predisposing syndrome. Last evaluated: 2019-10-21. Review status: criteria provided, single submitter. Criteria: ACMG Guidelines, 2015. Collection method: clinical testing. Allele origin: germline. Not counted in ClinVar's aggregate classification.
Comment: This variant deletes 1 nucleotide in exon 25 of the BRCA2 gene, creating a frameshift and premature translation stop signal. This variant is expected to result in an absent or non-functional protein product. Splice site prediction tools suggest that this variant may not impact RNA splicing. To our knowledge, functional studies have not been performed for this variant. This variant has been reported in individual who underwent genetic testing for BRCA1 and BRCA2 variant (PMID: 21305653). This variant has not been identified in the general population by the Genome Aggregation Database (gnomAD). Loss of BRCA2 function is a known mechanism of disease. Based on the available evidence, this variant is classified as Pathogenic.

Consortium of Investigators of Modifiers of BRCA1/2 (CIMBA), c/o University of Cambridge
Classification: Pathogenic for Breast-ovarian cancer, familial, susceptibility to, 2. Last evaluated: 2015-10-02. Review status: criteria provided, single submitter. Criteria: CIMBA Mutation Classification guidelines May 2016. Collection method: clinical testing. Allele origin: germline. Not counted in ClinVar's aggregate classification.

Neuberg Centre For Genomic Medicine, NCGM
Classification: Pathogenic for Breast-ovarian cancer, familial, susceptibility to, 2. Review status: criteria provided, single submitter. Criteria: ACMG Guidelines, 2015. Collection method: clinical testing. Allele origin: germline. Inheritance: Autosomal dominant inheritance. Affected: yes. Not counted in ClinVar's aggregate classification.
Comment: The frame shift (p.Gly3153AlafsTer10) variant has been reported in patients affected with disorder name {Breast-ovarian cancer, familial, 2} (Rebbeck et. al., 2018; De et. al., 2011). The p.Gly3153AlafsTer10 variant is novel (not in any individuals) in gnomAD Exomes and 1000 Genomes. This variant has been reported to the ClinVar database as Pathogenic. This variant causes a frameshift starting with codon Glycine 3153, changes this amino acid to Alanine residue, and creates a premature Stop codon at position 10 of the new reading frame, denoted p.Gly3153AlafsTer10. This variant is predicted to cause loss of normal protein function through protein truncation. Loss of function variants have been previously reported to be disease causing. For these reasons, this variant has been classified as Pathogenic.

Literature cited by the submitters: PubMed 20104584 (cited by Labcorp Genetics (formerly Invitae), Labcorp); PubMed 21520333 (cited by Labcorp Genetics (formerly Invitae), Labcorp); PubMed 21305653 (cited by Department of Pathology and Laboratory Medicine, Sinai Health System and Women's Health and Genetics/Laboratory Corporation of America, LabCorp); PubMed 29446198 (cited by Department of Pathology and Laboratory Medicine, Sinai Health System and Women's Health and Genetics/Laboratory Corporation of America, LabCorp).

NM_000059.4(BRCA2):c.9458del (p.Gly3153fs)

Gene: BRCA2 (BRCA2 DNA repair associated; plus strand). Cytogenetic location: 13q13.1.
Variant type: Deletion.
Coding change: c.9458del on transcript NM_000059.4 (MANE Select); coding-DNA position 9458, one base deleted (G; older notation c.9458delG).
Protein change: p.Gly3153fs; shifts the reading frame from glycine 3153.
Molecular consequence: frameshift variant.
Genome position (GRCh38, 1-based): chr13:32,394,890, G deleted; the last of 3 consecutive G bases (chr13:32,394,888-32,394,890); deleting any one gives the same sequence. VCF-style (leftmost placement, unchanged base first): chr13-32394887-AG-A. GRCh37 (hg19) VCF-style: chr13-32969024-AG-A.
Other names: c.9458delG (NM_000059.3).
Identifiers: ClinVar variation 52842 (VCV000052842.25), dbSNP rs397508052, ClinGen allele CA026166.
Genomic context (GRCh38, chr13:32,394,887, plus strand): 5'-AATCAGGCCTTCTTACTTTATTTGCTGGAGATTTTTCTGTGTTTTCTGCTAGTCCAAAAG[AG>A]GGCCACTTTCAAGAGACATTCAACAAAATGAAAAATACTGTTGAGGTAAGGTTACTTTTC-3'